The following is an entry in ClinVar:

NM_022464.5(SIL1):c.624T>A (p.Asp208Glu)

Gene: SIL1 (SIL1 nucleotide exchange factor; minus strand). Cytogenetic location: 5q31.2.
Variant type: single nucleotide variant.
Coding change: c.624T>A on transcript NM_022464.5 (MANE Select); coding-DNA position 624, T replaced by A.
Protein change: p.Asp208Glu; replaces aspartic acid 208 with glutamic acid.
Molecular consequence: missense variant.
Genome position (GRCh38, 1-based): chr5:139,026,822, A>T on the plus strand (T>A on the coding strand, the complement: SIL1 is on the minus strand). VCF-style: chr5-139026822-A-T. GRCh37 (hg19) VCF-style: chr5-138362511-A-T.
Other names: c.624T>A, p.Asp208Glu (NM_001037633.2); short protein forms D208E.
Identifiers: ClinVar variation 936516 (VCV000936516.9), dbSNP rs1183719769, ClinGen allele CA361134792.

ClinVar aggregate classification (germline): Uncertain significance (1 of 4 stars; one submission).

Conditions:
Marinesco-Sjögren syndrome (MSS). Also called: Marinesco-Sjogren Syndrome; Marinesco-SjÃ¶gren syndrome. Identifiers: Orphanet 559, MedGen C0024814, MONDO:0009567, OMIM 248800.

Submission:

Labcorp Genetics (formerly Invitae), Labcorp
Classification: Uncertain significance for Marinesco-Sjögren syndrome. Last evaluated: 2019-07-14. Review status: criteria provided, single submitter. Criteria: Invitae Variant Classification Sherloc (09022015). Collection method: clinical testing. Allele origin: germline.
Comment: This sequence change replaces aspartic acid with glutamic acid at codon 208 of the SIL1 protein (p.Asp208Glu). The aspartic acid residue is moderately conserved and there is a small physicochemical difference between aspartic acid and glutamic acid. This variant is not present in population databases (ExAC no frequency). This variant has not been reported in the literature in individuals with SIL1-related conditions. Algorithms developed to predict the effect of missense changes on protein structure and function are either unavailable or do not agree on the potential impact of this missense change (SIFT: "Tolerated"; PolyPhen-2: "Probably Damaging"; Align-GVGD: "Class C0"). In summary, the available evidence is currently insufficient to determine the role of this variant in disease. Therefore, it has been classified as a Variant of Uncertain Significance.